The following is an entry in ClinVar:

NC_000023.11:g.(?_31679365)_(31968524_?)del

Gene: DMD (dystrophin; minus strand). Cytogenetic location: Xp21.1.
Variant type: Deletion.
Identifiers: ClinVar variation 833441 (VCV000833441.1).

ClinVar aggregate classification (germline): Pathogenic (1 of 4 stars; one submission).

Conditions:
Duchenne muscular dystrophy (DMD). Also called: Duchenne Muscular Dystrophy (DMD); MUSCULAR DYSTROPHY, PSEUDOHYPERTROPHIC PROGRESSIVE, DUCHENNE TYPE. Identifiers: Orphanet 98896, MedGen C0013264, MONDO:0010679, OMIM 310200.

Submission:

Labcorp Genetics (formerly Invitae), Labcorp
Classification: Pathogenic for Duchenne muscular dystrophy. Last evaluated: 2019-10-02. Review status: criteria provided, single submitter. Criteria: Invitae Variant Classification Sherloc (09022015). Collection method: clinical testing. Allele origin: germline.
Comment: This variant is an in-frame deletion of the genomic region encompassing exons 45-53 of the DMD gene. It preserves the integrity of the reading frame. Deletions of exons 45-53 have been reported in multiple individuals affected with DMD-related muscular dystrophy (PMID: 26911353, 27854212, 2573997, 19449031, 25482253, 16030524, 2063877). For these reasons, this variant has been classified as Pathogenic.

Literature cited by the submitters: PubMed 2573997; PubMed 26911353; PubMed 16030524; PubMed 27854212; PubMed 19449031; PubMed 2063877; PubMed 25482253.